The following is an entry in ClinVar:

ClinVar aggregate classification (germline): Uncertain significance. Review status: criteria provided, multiple submitters, no conflicts (2 of 4 stars). 4 submissions from 4 submitters: Uncertain significance (4). Last evaluated 2024-10-24.

Allele frequency attached by ClinVar (database versions not stated): TOPMed 0.00019; gnomAD 0.00023 and 0.00025; gnomAD exomes 0.00030 and 0.00019; ESP Exome Variant Server 0.00008; ExAC 0.00016.

Submissions (4):

Revvity Omics, Revvity
Classification: Uncertain significance. Last evaluated: 2024-10-24. Review status: criteria provided, single submitter. Criteria: ACMG Guidelines, 2015. Collection method: clinical testing. Allele origin: germline.

Blueprint Genetics
Classification: Uncertain significance. Last evaluated: 2024-10-03. Review status: criteria provided, single submitter. Criteria: ACMG Guidelines, 2015. Collection method: clinical testing. Allele origin: germline.

Labcorp Genetics (formerly Invitae), Labcorp
Classification: Uncertain significance. Last evaluated: 2024-05-28. Review status: criteria provided, single submitter. Criteria: Invitae Variant Classification Sherloc (09022015). Collection method: clinical testing. Allele origin: germline.
Comment: This sequence change replaces glutamic acid, which is acidic and polar, with glutamine, which is neutral and polar, at codon 421 of the SPTB protein (p.Glu421Gln). This variant is present in population databases (rs142982338, gnomAD 0.03%). This variant has not been reported in the literature in individuals affected with SPTB-related conditions. ClinVar contains an entry for this variant (Variation ID: 1330549). An algorithm developed to predict the effect of missense changes on protein structure and function (PolyPhen-2) suggests that this variant is likely to be disruptive. In summary, the available evidence is currently insufficient to determine the role of this variant in disease. Therefore, it has been classified as a Variant of Uncertain Significance.

ARUP Laboratories, Molecular Genetics and Genomics, ARUP Laboratories
Classification: Uncertain significance. Last evaluated: 2021-07-02. Review status: criteria provided, single submitter. Criteria: ARUP Molecular Germline Variant Investigation Process 2021. Collection method: clinical testing. Allele origin: germline.

NM_001355436.2(SPTB):c.1261G>C (p.Glu421Gln)

Gene: SPTB (spectrin beta, erythrocytic; minus strand). Cytogenetic location: 14q23.3.
Variant type: single nucleotide variant.
Coding change: c.1261G>C on transcript NM_001355436.2 (MANE Select); coding-DNA position 1261, G replaced by C.
Protein change: p.Glu421Gln; replaces glutamic acid 421 with glutamine.
Molecular consequence: missense variant.
Genome position (GRCh38, 1-based): chr14:64,796,637, C>G on the plus strand (G>C on the coding strand, the complement: SPTB is on the minus strand). VCF-style: chr14-64796637-C-G. GRCh37 (hg19) VCF-style: chr14-65263355-C-G.
Other names: c.1261G>C, p.Glu421Gln (NM_001024858.4, NM_001355437.2); short protein forms E421Q.
Identifiers: ClinVar variation 1330549 (VCV001330549.12), dbSNP rs142982338, ClinGen allele CA7231170.